The following is an entry in ClinVar:

ClinVar aggregate classification (germline): Likely benign (0 of 4 stars; one submission).

Conditions:
F13A1-related disorder. Also called: F13A1-related condition.

Allele frequency attached by ClinVar (database versions not stated): gnomAD exomes below 0.00001; TOPMed below 0.00001; ExAC 0.00001.
gnomAD v4.1: 2 of 1,614,206 alleles (0.00012%); highest among the groups gnomAD compares: Middle Eastern, 0.016%; no homozygotes.

Submission:

PreventionGenetics, part of Exact Sciences
Classification: Likely benign for F13A1-related condition. Last evaluated: 2019-03-05. Review status: no assertion criteria provided. Collection method: clinical testing. Allele origin: germline.
Comment: This variant is classified as likely benign based on ACMG/AMP sequence variant interpretation guidelines (Richards et al. 2015 PMID: 25741868, with internal and published modifications).

NM_000129.4(F13A1):c.417G>A (p.Glu139=)

Gene: F13A1 (coagulation factor XIII A chain; minus strand). Cytogenetic location: 6p25.1.
Variant type: single nucleotide variant.
Coding change: c.417G>A on transcript NM_000129.4 (MANE Select); coding-DNA position 417, G replaced by A.
Protein change: p.Glu139=; no amino-acid change (glutamic acid 139 retained).
Molecular consequence: synonymous variant.
Genome position (GRCh38, 1-based): chr6:6,266,712, C>T on the plus strand (G>A on the coding strand, the complement: F13A1 is on the minus strand). VCF-style: chr6-6266712-C-T. GRCh37 (hg19) VCF-style: chr6-6266945-C-T.
Identifiers: ClinVar variation 3057347 (VCV003057347.2), dbSNP rs752157337, ClinGen allele CA3624665.
Genomic context (GRCh38, chr6:6,266,712, plus strand): 5'-GCGGAATTTCCCCACAATACATTTGGGGGAAGACTGGATGGACAGCCGCACAGACCTGTC[C>T]TCTCTCATGACAATCTTGGCCCCCCACTTTCCACTTTGTAACTCTGAGACTATAGGCACT-3'
Protein context (NP_000120.2, residues 129-149): GKWGAKIVMR[Glu139=]DRSVRLSIQS